The following is an entry in ClinVar:

ClinVar aggregate classification (germline): Likely benign (1 of 4 stars; one submission).

Conditions:
LRRC45-related disorder. Also called: LRRC45-related condition.

gnomAD v4.1: 11 of 1,612,358 alleles (0.00068%); highest among the groups gnomAD compares: African/African-American, 0.0067%; no homozygotes.

Submission:

PreventionGenetics, part of Exact Sciences
Classification: Likely benign for LRRC45-related condition. Last evaluated: 2026-08-23. Review status: criteria provided, single submitter. Criteria: ACMG Guidelines, 2015. Collection method: clinical testing. Allele origin: germline.
Comment: This variant is classified as likely benign based on ACMG/AMP sequence variant interpretation guidelines (Richards et al. 2015 PMID: 25741868, with internal and published modifications).

NM_144999.4(LRRC45):c.258C>T (p.Thr86=)

Gene: LRRC45 (leucine rich repeat containing 45; plus strand). Cytogenetic location: 17q25.3.
Variant type: single nucleotide variant.
Coding change: c.258C>T on transcript NM_144999.4 (MANE Select); coding-DNA position 258, C replaced by T.
Protein change: p.Thr86=; no amino-acid change (threonine 86 retained).
Molecular consequence: synonymous variant.
Genome position (GRCh38, 1-based): chr17:82,024,315, C>T. VCF-style: chr17-82024315-C-T. GRCh37 (hg19) VCF-style: chr17-79982191-C-T.
Identifiers: ClinVar variation 4989751 (VCV004989751.1).
Genomic context (GRCh38, chr17:82,024,315, plus strand): 5'-GACCGCCGGCCCCCCTTACACAGGGGCCACACTGCTGCTCCGAGGCCTGTGTGCCAACAC[C>T]GTGCTGCGCTTTCTGGACTTAAAGGTGAGATACCTGCACTCTTGAGTGTCCGAGTGTGCC-3'
Protein context (NP_659436.1, residues 76-96): TLLLRGLCAN[Thr86=]VLRFLDLKGN